The following is an entry in ClinVar:

NM_001376.5(DYNC1H1):c.6352C>T (p.Arg2118Ter)

Gene: DYNC1H1 (dynein cytoplasmic 1 heavy chain 1; plus strand). Cytogenetic location: 14q32.31.
Variant type: single nucleotide variant.
Coding change: c.6352C>T on transcript NM_001376.5 (MANE Select); coding-DNA position 6352, C replaced by T.
Protein change: p.Arg2118Ter; replaces arginine 2118 with a stop codon.
Molecular consequence: nonsense.
Genome position (GRCh38, 1-based): chr14:102,010,406, C>T. VCF-style: chr14-102010406-C-T. GRCh37 (hg19) VCF-style: chr14-102476743-C-T.
Other names: short protein forms R2118*.
Identifiers: ClinVar variation 3727464 (VCV003727464.2).

ClinVar aggregate classification (germline): Uncertain significance (1 of 4 stars; one submission).

Conditions:
Charcot-Marie-Tooth disease axonal type 2O. Also called: Charcot-Marie-Tooth disease, axonal, type 20; CHARCOT-MARIE-TOOTH NEUROPATHY, AXONAL, TYPE 2O; CHARCOT-MARIE-TOOTH DISEASE, AXONAL, AUTOSOMAL DOMINANT, TYPE 2O; Charcot-Marie-Tooth Neuropathy Type 2O. Identifiers: Orphanet 284232, MedGen C3280220, MONDO:0013644, OMIM 614228.

Submission:

Labcorp Genetics (formerly Invitae), Labcorp
Classification: Uncertain significance for Charcot-Marie-Tooth disease axonal type 2O. Last evaluated: 2024-12-17. Review status: criteria provided, single submitter. Criteria: Invitae Variant Classification Sherloc (09022015). Collection method: clinical testing. Allele origin: germline.
Comment: This sequence change creates a premature translational stop signal (p.Arg2118*) in the DYNC1H1 gene. It is expected to result in an absent or disrupted protein product. However, the current clinical and genetic evidence is not sufficient to establish whether loss-of-function variants in DYNC1H1 cause disease. This variant is not present in population databases (gnomAD no frequency). This variant has not been reported in the literature in individuals affected with DYNC1H1-related conditions. In summary, the available evidence is currently insufficient to determine the role of this variant in disease. Therefore, it has been classified as a Variant of Uncertain Significance.